The following is an entry in ClinVar:

ClinVar aggregate classification (germline): Uncertain significance (1 of 4 stars; one submission).

Conditions:
Dyskeratosis congenita, autosomal dominant 1 (DKCA1). Also called: Dyskeratosis congenita Scoggins type. Identifiers: Orphanet 1775, MedGen C4551974, MONDO:0007485, OMIM 127550. Inheritance: Variable.

Submission:

Labcorp Genetics (formerly Invitae), Labcorp
Classification: Uncertain significance for Dyskeratosis congenita, autosomal dominant 1. Last evaluated: 2022-03-14. Review status: criteria provided, single submitter. Criteria: Invitae Variant Classification Sherloc (09022015). Collection method: clinical testing. Allele origin: germline.
Comment: This variant occurs in the TERC gene, which encodes an RNA molecule that does not result in a protein product. This variant is not present in population databases (gnomAD no frequency). This variant has not been reported in the literature in individuals affected with TERC-related conditions. This variant is located within the BoxH/ACA scaRNA domain of the TERC RNA component, which is required for telomerase activity (PMID: 21844345). In summary, the available evidence is currently insufficient to determine the role of this variant in disease. Therefore, it has been classified as a Variant of Uncertain Significance.

Literature cited by the submitters: PubMed 21844345.

NC_000003.12:g.169764628C>T

Gene: TERC (telomerase RNA component; minus strand). Cytogenetic location: 3q26.2.
Variant type: single nucleotide variant.
Genome position: GRCh38 VCF-style: chr3-169764628-C-T. GRCh37 (hg19) VCF-style: chr3-169482416-C-T.
Identifiers: ClinVar variation 2112056 (VCV002112056.4), dbSNP rs2108182738, ClinGen allele CA436714744.